The following is an entry in ClinVar:

NM_001029896.2(WDR45):c.34del (p.Leu12fs)

Genes: WDR45 (WD repeat domain 45; minus strand), LOC126863256 (BRD4-independent group 4 enhancer GRCh37_chrX:48934848-48936047; plus strand). Cytogenetic location: Xp11.23.
Variant type: Deletion.
Coding change: c.34del on transcript NM_001029896.2 (MANE Select); coding-DNA position 34, one base deleted (C; older notation c.34delC).
Protein change: p.Leu12fs; shifts the reading frame from leucine 12.
Molecular consequence: frameshift variant.
Genome position (GRCh38, 1-based): chrX:49,078,062, G deleted on the plus strand (C on the coding strand, the reverse complement: WDR45 is on the minus strand); the first of 2 consecutive G bases (chrX:49,078,062-49,078,063); deleting either gives the same sequence. VCF-style (leftmost placement, unchanged base first): chrX-49078061-AG-A. GRCh37 (hg19) VCF-style: chrX-48935720-AG-A.
Other names: c.34del, p.Leu12fs (NM_007075.4); short protein forms L12fs.
Identifiers: ClinVar variation 3654384 (VCV003654384.2).
Genomic context (GRCh38, chrX:49,078,061, plus strand): 5'-CGCTTCCTCCCACAAGGGTACAGGCCCAATCCTCTCTCACTTTGGTCTTGGTTGAAACGC[AG>A]GCTGGTCACTCCTCGAAGTGGCTGTTGAGTCATGGTGCAGGATTGTTCCTCTGCATACAA-3'

ClinVar aggregate classification (germline): Pathogenic (1 of 4 stars; one submission).

Conditions:
Neurodegeneration with brain iron accumulation 5 (NBIA5). Also called: STATIC ENCEPHALOPATHY OF CHILDHOOD WITH NEURODEGENERATION IN ADULTHOOD; Beta-propeller protein-associated neurodegeneration. Identifiers: Orphanet 329284, MedGen C3550973, MONDO:0010476, OMIM 300894.

Submission:

Labcorp Genetics (formerly Invitae), Labcorp
Classification: Pathogenic for Neurodegeneration with brain iron accumulation 5. Last evaluated: 2024-10-24. Review status: criteria provided, single submitter. Criteria: Invitae Variant Classification Sherloc (09022015). Collection method: clinical testing. Allele origin: germline.
Comment: This sequence change creates a premature translational stop signal (p.Leu12Cysfs*26) in the WDR45 gene. It is expected to result in an absent or disrupted protein product. Loss-of-function variants in WDR45 are known to be pathogenic (PMID: 23176820, 24368176, 24621584, 25744623, 26790960, 27030146, 27652284, 28554332). This variant is not present in population databases (gnomAD no frequency). This variant has not been reported in the literature in individuals affected with WDR45-related conditions. For these reasons, this variant has been classified as Pathogenic.

Literature cited by the submitters: PubMed 23176820; PubMed 24368176; PubMed 24621584; PubMed 25744623; PubMed 26790960; PubMed 27030146; PubMed 27652284; PubMed 28554332.